The following is an entry in ClinVar:

NM_000435.3(NOTCH3):c.3552C>G (p.Asp1184Glu)

Gene: NOTCH3 (notch receptor 3; minus strand). Cytogenetic location: 19p13.12.
Variant type: single nucleotide variant.
Coding change: c.3552C>G on transcript NM_000435.3 (MANE Select); coding-DNA position 3552, C replaced by G.
Protein change: p.Asp1184Glu; replaces aspartic acid 1184 with glutamic acid.
Molecular consequence: missense variant.
Genome position (GRCh38, 1-based): chr19:15,179,191, G>C on the plus strand (C>G on the coding strand, the complement: NOTCH3 is on the minus strand). VCF-style: chr19-15179191-G-C. GRCh37 (hg19) VCF-style: chr19-15290002-G-C.
Other names: short protein forms D1184E.
Identifiers: ClinVar variation 1387808 (VCV001387808.7), dbSNP rs763112778, ClinGen allele CA305769419.

ClinVar aggregate classification (germline): Uncertain significance. Review status: criteria provided, multiple submitters, no conflicts (2 of 4 stars). 2 submissions from 2 submitters: Uncertain significance (2). Last evaluated 2024-02-29.

Allele frequency attached by ClinVar (database versions not stated): gnomAD exomes 0.00001.
gnomAD v4.1: 36 of 1,614,072 alleles (0.0022%); highest among the groups gnomAD compares: Non-Finnish European, 0.0031%; no homozygotes.

Submissions (2):

Blueprint Genetics
Classification: Uncertain significance. Last evaluated: 2024-02-29. Review status: criteria provided, single submitter. Criteria: ACMG Guidelines, 2015. Collection method: clinical testing. Allele origin: germline.

Labcorp Genetics (formerly Invitae), Labcorp
Classification: Uncertain significance. Last evaluated: 2022-08-09. Review status: criteria provided, single submitter. Criteria: Invitae Variant Classification Sherloc (09022015). Collection method: clinical testing. Allele origin: germline.
Comment: This sequence change replaces aspartic acid, which is acidic and polar, with glutamic acid, which is acidic and polar, at codon 1184 of the NOTCH3 protein (p.Asp1184Glu). This variant is present in population databases (rs763112778, gnomAD 0.002%). This missense change has been observed in individual(s) with clinical features of cerebral arteriopathy with subcortical infarcts and leukoencephalopathy (CADASIL) (PMID: 26305465). ClinVar contains an entry for this variant (Variation ID: 1387808). Advanced modeling of protein sequence and biophysical properties (such as structural, functional, and spatial information, amino acid conservation, physicochemical variation, residue mobility, and thermodynamic stability) performed at Invitae indicates that this missense variant is not expected to disrupt NOTCH3 protein function. In summary, the available evidence is currently insufficient to determine the role of this variant in disease. Therefore, it has been classified as a Variant of Uncertain Significance.

Literature cited by the submitters: PubMed 26305465 (cited by Labcorp Genetics (formerly Invitae), Labcorp).